The following is an entry in ClinVar:

NM_001013703.4(EIF2AK4):c.59C>G (p.Pro20Arg)

Genes: EIF2AK4 (eukaryotic translation initiation factor 2 alpha kinase 4; plus strand), LOC130056813 (ATAC-STARR-seq lymphoblastoid silent region 6314; plus strand). Cytogenetic location: 15q15.1.
Variant type: single nucleotide variant.
Coding change: c.59C>G on transcript NM_001013703.4 (MANE Select); coding-DNA position 59, C replaced by G.
Protein change: p.Pro20Arg; replaces proline 20 with arginine.
Molecular consequence: missense variant.
Genome position (GRCh38, 1-based): chr15:39,934,254, C>G. VCF-style: chr15-39934254-C-G. GRCh37 (hg19) VCF-style: chr15-40226455-C-G.
Other names: short protein forms P20R.
Identifiers: ClinVar variation 3368312 (VCV003368312.1).

ClinVar aggregate classification (germline): Uncertain significance (1 of 4 stars; one submission).

gnomAD v4.1: 29 of 1,610,244 alleles (0.0018%); highest among the groups gnomAD compares: South Asian, 0.029%; no homozygotes.

Submission:

GeneDx
Classification: Uncertain significance. Last evaluated: 2024-01-23. Review status: criteria provided, single submitter. Criteria: GeneDx Variant Classification Process June 2021. Collection method: clinical testing. Allele origin: germline. Affected: yes.
Comment: In silico analysis supports that this missense variant does not alter protein structure/function; Has not been previously published as pathogenic or benign to our knowledge